The following is an entry in ClinVar:

NM_000138.5(FBN1):c.3465C>T (p.Asp1155=)

Gene: FBN1 (fibrillin 1; minus strand). Cytogenetic location: 15q21.1.
Variant type: single nucleotide variant.
Coding change: c.3465C>T on transcript NM_000138.5 (MANE Select); coding-DNA position 3465, C replaced by T.
Protein change: p.Asp1155=; no amino-acid change (aspartic acid 1155 retained).
Molecular consequence: synonymous variant.
Genome position (GRCh38, 1-based): chr15:48,487,199, G>A on the plus strand (C>T on the coding strand, the complement: FBN1 is on the minus strand). VCF-style: chr15-48487199-G-A. GRCh37 (hg19) VCF-style: chr15-48779396-G-A.
Identifiers: ClinVar variation 255293 (VCV000255293.7), dbSNP rs886038249, ClinGen allele CA10587204.
Genomic context (GRCh38, chr15:48,487,199, plus strand): 5'-TATGAGGTTCACGCAACGGCCATTGGGGCACAGGTGTGCACTCAGCTCACATTCATTGAT[G>A]TCTGTCGGGAAAATAAGAAGAACAAACACCCAAACATAAGCTTCCAACTTTGGCAATGAT-3'
Protein context (NP_000129.3, residues 1145-1165): QLSPNISACI[Asp1155=]INECELSAHL

ClinVar aggregate classification (germline): Likely benign. Review status: criteria provided, multiple submitters, no conflicts (2 of 4 stars). 5 submissions from 5 submitters: Likely benign (5). Last evaluated 2026-03-23.

Conditions:
Marfan syndrome (MFS). Also called: MARFAN SYNDROME, TYPE I; FBN1-Related Marfan Syndrome; Marfan syndrome, classic; Marfan syndrome type 1; Marfan's syndrome. Identifiers: Orphanet 284963, Orphanet 558, MedGen C0024796, MONDO:0007947, OMIM 154700.
Familial thoracic aortic aneurysm and aortic dissection (TAAD). Also called: Thoracic aortic aneurysms and dissections. Identifiers: Orphanet 91387, MedGen C4707243, MONDO:0019625.

Allele frequency attached by ClinVar (database versions not stated): gnomAD exomes 0.00001 and below 0.00001.
gnomAD v4.1: 13 of 1,614,146 alleles (0.00081%); highest among the groups gnomAD compares: Non-Finnish European, 0.001%; no homozygotes.

Submissions (5):

Ambry Genetics
Classification: Likely benign for Familial thoracic aortic aneurysm and aortic dissection. Last evaluated: 2026-03-23. Review status: criteria provided, single submitter. Criteria: Ambry Variant Classification Scheme 2023. Collection method: clinical testing. Allele origin: germline.

Labcorp Genetics (formerly Invitae), Labcorp
Classification: Likely benign for Marfan syndrome; Familial thoracic aortic aneurysm and aortic dissection. Last evaluated: 2025-07-27. Review status: criteria provided, single submitter. Criteria: Invitae Variant Classification Sherloc (09022015). Collection method: clinical testing. Allele origin: germline.

All of Us Research Program, National Institutes of Health
Classification: Likely benign for Marfan syndrome. Last evaluated: 2024-07-10. Review status: criteria provided, single submitter. Criteria: ACMG Guidelines, 2015. Collection method: clinical testing. Allele origin: germline. Inheritance: Autosomal dominant inheritance. Observed: 1 variant allele, 1 heterozygote.
Comment: This study involves interpretation of variants in research participants for the purpose of population health screening. Participant phenotype was not available at the time of variant classification. Additional details can be found in publication PMID: 35346344, PMCID: PMC8962531

Color Diagnostics, LLC DBA Color Health
Classification: Likely benign for Familial thoracic aortic aneurysm and aortic dissection. Last evaluated: 2022-09-26. Review status: criteria provided, single submitter. Criteria: ACMG Guidelines, 2015. Collection method: clinical testing. Allele origin: germline.

PreventionGenetics, part of Exact Sciences
Classification: Likely benign. Review status: criteria provided, single submitter. Criteria: ACMG Guidelines, 2015. Collection method: clinical testing. Allele origin: germline.